The following is an entry in ClinVar:

ClinVar aggregate classification (germline): Uncertain significance (1 of 4 stars; one submission).

Allele frequency attached by ClinVar (database versions not stated): TOPMed below 0.00001; gnomAD exomes 0.00001.
gnomAD v4.1: 8 of 1,613,660 alleles (0.0005%); highest among the groups gnomAD compares: Non-Finnish European, 0.00068%; no homozygotes.

Submission:

Labcorp Genetics (formerly Invitae), Labcorp
Classification: Uncertain significance. Last evaluated: 2022-07-19. Review status: criteria provided, single submitter. Criteria: Invitae Variant Classification Sherloc (09022015). Collection method: clinical testing. Allele origin: germline.
Comment: This sequence change replaces isoleucine, which is neutral and non-polar, with valine, which is neutral and non-polar, at codon 686 of the COL9A2 protein (p.Ile686Val). This variant is not present in population databases (gnomAD no frequency). In summary, the available evidence is currently insufficient to determine the role of this variant in disease. Therefore, it has been classified as a Variant of Uncertain Significance. Advanced modeling of protein sequence and biophysical properties (such as structural, functional, and spatial information, amino acid conservation, physicochemical variation, residue mobility, and thermodynamic stability) performed at Invitae indicates that this missense variant is not expected to disrupt COL9A2 protein function. ClinVar contains an entry for this variant (Variation ID: 1511987). This variant has not been reported in the literature in individuals affected with COL9A2-related conditions.

NM_001852.4(COL9A2):c.2056A>G (p.Ile686Val)

Gene: COL9A2 (collagen type IX alpha 2 chain; minus strand). Cytogenetic location: 1p34.2.
Variant type: single nucleotide variant.
Coding change: c.2056A>G on transcript NM_001852.4 (MANE Select); coding-DNA position 2056, A replaced by G.
Protein change: p.Ile686Val; replaces isoleucine 686 with valine.
Molecular consequence: missense variant.
Genome position (GRCh38, 1-based): chr1:40,301,196, T>C on the plus strand (A>G on the coding strand, the complement: COL9A2 is on the minus strand). VCF-style: chr1-40301196-T-C. GRCh37 (hg19) VCF-style: chr1-40766868-T-C.
Other names: short protein forms I686V.
Identifiers: ClinVar variation 1511987 (VCV001511987.6), dbSNP rs1643908954, ClinGen allele CA339873733.